The following is an entry in ClinVar:

NM_001378452.1(ITPR1):c.1804A>G (p.Asn602Asp)

Gene: ITPR1 (inositol 1,4,5-trisphosphate receptor type 1; plus strand). Cytogenetic location: 3p26.1.
Variant type: single nucleotide variant.
Coding change: c.1804A>G on transcript NM_001378452.1 (MANE Select); coding-DNA position 1804, A replaced by G.
Protein change: p.Asn602Asp; replaces asparagine 602 with aspartic acid.
Molecular consequence: missense variant.
Genome position (GRCh38, 1-based): chr3:4,667,467, A>G. VCF-style: chr3-4667467-A-G. GRCh37 (hg19) VCF-style: chr3-4709151-A-G.
Other names: c.1804A>G, p.Asn602Asp (NM_001099952.4); c.1759A>G, p.Asn587Asp (NM_001168272.2, NM_002222.7); c.1759A>G (NM_002222.5); short protein forms N602D, N587D.
Identifiers: ClinVar variation 39572 (VCV000039572.3), dbSNP rs397514536, ClinGen allele CA261185.

ClinVar aggregate classification (germline): Likely pathogenic. Review status: criteria provided, single submitter (1 of 4 stars). 2 submissions from 2 submitters: Likely pathogenic (1). 1 of the submissions does not count toward it. Last evaluated 2025-04-03.

Conditions:
Spinocerebellar ataxia type 29 (SCA29). Also called: Spinocerebellar ataxia 29, congenital nonprogressive; CEREBELLAR ATAXIA, CONGENITAL NONPROGRESSIVE, AUTOSOMAL DOMINANT. Identifiers: Orphanet 208513, MedGen C1861732, MONDO:0007298, OMIM 117360.

Submissions (2):

Genetic Services Laboratory, University of Chicago
Classification: Likely pathogenic. Last evaluated: 2025-04-03. Review status: criteria provided, single submitter. Criteria: ACMG Guidelines, 2015. Collection method: clinical testing. Allele origin: germline.
Comment: The c.1759A>G variant: Results in an amino acid change, p.Asn587Asp. Affects a highly conserved amino acid residue located in a coupling regulatory domain of the ITPR1 protein that is known to be functional. In-silico pathogenicity prediction tools provide contradictory results for the p.Asn587Asp substitution. Has been previously described in several unrelated individuals with non-progressive spinocerebellar ataxia and found to segregate with disease in some families (PMID: 22986007, 28659154), ataxic cerebral palsy and intellectual disability (PMID: 25981959). Has not been described in population databases such as gnomAD v4 (dbSNP rs397514536). Published experimental studies showed that this variant did not impact IP3 receptor binding but may alter channel function while retaining some functionality (PMID: 33093175). ClinVar contains an entry for this variant (Variation ID: 39572). Collectively, this evidence indicates that this variant is likely pathogenic.

OMIM
Classification: Pathogenic for SPINOCEREBELLAR ATAXIA 29. Last evaluated: 2022-06-17. Review status: no assertion criteria provided. Collection method: literature only. Allele origin: germline. Not counted in ClinVar's aggregate classification.

Literature cited by the submitters: PubMed 35351177 (cited by OMIM); PubMed 25981959 (cited by OMIM).